The following is an entry in ClinVar:

NM_004655.4(AXIN2):c.2065A>T (p.Thr689Ser)

Gene: AXIN2 (axin 2; minus strand). Cytogenetic location: 17q24.1.
Variant type: single nucleotide variant.
Coding change: c.2065A>T on transcript NM_004655.4 (MANE Select); coding-DNA position 2065, A replaced by T.
Protein change: p.Thr689Ser; replaces threonine 689 with serine.
Molecular consequence: missense variant.
Genome position (GRCh38, 1-based): chr17:65,536,396, T>A on the plus strand (A>T on the coding strand, the complement: AXIN2 is on the minus strand). VCF-style: chr17-65536396-T-A. GRCh37 (hg19) VCF-style: chr17-63532514-T-A.
Other names: c.1870A>T, p.Thr624Ser (NM_001363813.1); short protein forms T624S, T689S.
Identifiers: ClinVar variation 1051285 (VCV001051285.9), dbSNP rs1229715038, ClinGen allele CA400676059.

ClinVar aggregate classification (germline): Uncertain significance (1 of 4 stars; one submission).

Conditions:
Oligodontia-cancer predisposition syndrome. Also called: TOOTH AGENESIS-COLORECTAL CANCER SYNDROME. Identifiers: Orphanet 300576, MedGen C1837750, MONDO:0012075, OMIM 608615. Disease mechanism: loss of function.

Submission:

Labcorp Genetics (formerly Invitae), Labcorp
Classification: Uncertain significance for Oligodontia-cancer predisposition syndrome. Last evaluated: 2024-06-05. Review status: criteria provided, single submitter. Criteria: Invitae Variant Classification Sherloc (09022015). Collection method: clinical testing. Allele origin: germline.
Comment: This sequence change replaces threonine, which is neutral and polar, with serine, which is neutral and polar, at codon 689 of the AXIN2 protein (p.Thr689Ser). This variant is not present in population databases (gnomAD no frequency). This variant has not been reported in the literature in individuals affected with AXIN2-related conditions. ClinVar contains an entry for this variant (Variation ID: 1051285). Advanced modeling of protein sequence and biophysical properties (such as structural, functional, and spatial information, amino acid conservation, physicochemical variation, residue mobility, and thermodynamic stability) performed at Invitae indicates that this missense variant is not expected to disrupt AXIN2 protein function with a negative predictive value of 80%. In summary, the available evidence is currently insufficient to determine the role of this variant in disease. Therefore, it has been classified as a Variant of Uncertain Significance.